The following is an entry in ClinVar:

ClinVar aggregate classification (germline): Uncertain significance (1 of 4 stars; one submission).

Conditions:
Intellectual developmental disorder, autosomal recessive 48. Also called: Progressive essential tremor-speech impairment-facial dysmorphism-intellectual disability-abnormal behavior syndrome. Identifiers: Orphanet 457212, MedGen C4225395, MONDO:0014559, OMIM 616269.

Allele frequency attached by ClinVar (database versions not stated): TOPMed 0.00002; gnomAD 0.00004; gnomAD exomes 0.00004; ExAC 0.00004.
gnomAD v4.1: 46 of 1,613,794 alleles (0.0029%); highest among the groups gnomAD compares: Non-Finnish European, 0.0031%; no homozygotes.

Submission:

Baylor Genetics
Classification: Uncertain significance for Intellectual developmental disorder, autosomal recessive 48. Last evaluated: 2018-01-16. Review status: criteria provided, single submitter. Criteria: ACMG Guidelines, 2015. Collection method: clinical testing. Allele origin: unknown. Affected: yes.
Comment: This variant was determined to be of uncertain significance according to ACMG Guidelines, 2015 [PMID:25741868].

NM_001010898.4(SLC6A17):c.754-4G>A

Gene: SLC6A17 (solute carrier family 6 member 17; plus strand). Cytogenetic location: 1p13.3.
Variant type: single nucleotide variant.
Coding change: c.754-4G>A on transcript NM_001010898.4 (MANE Select); 4 bases into the intron before coding-DNA position 754, G replaced by A.
Molecular consequence: intron variant.
Genome position (GRCh38, 1-based): chr1:110,176,625, G>A. VCF-style: chr1-110176625-G-A. GRCh37 (hg19) VCF-style: chr1-110719247-G-A.
Identifiers: ClinVar variation 1031719 (VCV001031719.1), dbSNP rs773243821, ClinGen allele CA997995.